The following is an entry in ClinVar:

NM_001385641.1(SAMD11):c.795C>T (p.Val265=)

Gene: SAMD11 (sterile alpha motif domain containing 11; plus strand). Cytogenetic location: 1p36.33.
Variant type: single nucleotide variant.
Coding change: c.795C>T on transcript NM_001385641.1 (MANE Select); coding-DNA position 795, C replaced by T.
Protein change: p.Val265=; no amino-acid change (valine 265 retained).
Molecular consequence: synonymous variant.
Genome position (GRCh38, 1-based): chr1:931,042, C>T. VCF-style: chr1-931042-C-T. GRCh37 (hg19) VCF-style: chr1-866422-C-T.
Other names: c.795C>T, p.Val265= (NM_001385640.1); c.258C>T, p.Val86= (NM_152486.4); c.258C>T (NM_152486.2).
Identifiers: ClinVar variation 1170044 (VCV001170044.12), dbSNP rs139210662, ClinGen allele CA502493.
Genomic context (GRCh38, chr1:931,042, plus strand): 5'-GAGGCTGGGGTCAGGGGCCTCCAGAGCAACATGGACCTTCTGCTTCCCTTCCTGCAGAGT[C>T]CACACCCACTGGGACGTGAACATCTCTTTCCGAGAGGCGTCCTGCAGGTAGGAGCCGTGC-3'
Protein context (NP_001372570.1, residues 255-275): GPHIRIMKRR[Val265=]HTHWDVNISF

ClinVar aggregate classification (germline): Benign. Review status: criteria provided, multiple submitters, no conflicts (2 of 4 stars). 3 submissions from 3 submitters: Benign (2). 1 of the submissions does not count toward it. Last evaluated 2026-02-02.

Conditions:
SAMD11-related disorder. Also called: SAMD11-related condition.

Allele frequency attached by ClinVar (database versions not stated): gnomAD exomes 0.00069 and 0.00142; ExAC 0.00152; 1000 Genomes Project 0.00300; 1000 Genomes Project 30x 0.00328; gnomAD 0.00491 and 0.00535; ESP Exome Variant Server 0.00515; TOPMed 0.00558.
gnomAD v4.1: 1,804 of 1,612,956 alleles (0.11%); highest among the groups gnomAD compares: African/African-American, 1.6%; 14 homozygotes.

Submissions (3):

Labcorp Genetics (formerly Invitae), Labcorp
Classification: Benign. Last evaluated: 2026-02-02. Review status: criteria provided, single submitter. Criteria: Invitae Variant Classification Sherloc (09022015). Collection method: clinical testing. Allele origin: germline.

Breakthrough Genomics
Classification: Benign. Review status: criteria provided, single submitter. Criteria: ACMG Guidelines, 2015. Collection method: not provided. Allele origin: germline. Inheritance: Unknown mechanism. Affected: yes.

PreventionGenetics, part of Exact Sciences
Classification: Benign for SAMD11-related condition. Last evaluated: 2019-05-03. Review status: no assertion criteria provided. Collection method: clinical testing. Allele origin: germline. Not counted in ClinVar's aggregate classification.
Comment: This variant is classified as benign based on ACMG/AMP sequence variant interpretation guidelines (Richards et al. 2015 PMID: 25741868, with internal and published modifications).